The following is an entry in ClinVar:

ClinVar aggregate classification (germline): Uncertain significance (1 of 4 stars; one submission).

Allele frequency attached by ClinVar (database versions not stated): ExAC 0.00002; gnomAD exomes 0.00002 and 0.00004.
gnomAD v4.1: 54 of 1,613,942 alleles (0.0033%); highest among the groups gnomAD compares: Non-Finnish European, 0.0042%; no homozygotes.

Submission:

Labcorp Genetics (formerly Invitae), Labcorp
Classification: Uncertain significance. Last evaluated: 2021-08-01. Review status: criteria provided, single submitter. Criteria: Invitae Variant Classification Sherloc (09022015). Collection method: clinical testing. Allele origin: germline.
Comment: In summary, the available evidence is currently insufficient to determine the role of this variant in disease. Therefore, it has been classified as a Variant of Uncertain Significance. Algorithms developed to predict the effect of missense changes on protein structure and function (SIFT, PolyPhen-2, Align-GVGD) all suggest that this variant is likely to be tolerated. This variant has not been reported in the literature in individuals affected with ARHGEF10-related conditions. This variant is present in population databases (rs751373354, ExAC 0.006%). This sequence change replaces serine with threonine at codon 1207 of the ARHGEF10 protein (p.Ser1207Thr). The serine residue is weakly conserved and there is a small physicochemical difference between serine and threonine.

NM_014629.4(ARHGEF10):c.3620G>C (p.Ser1207Thr)

Gene: ARHGEF10 (Rho guanine nucleotide exchange factor 10; plus strand). Cytogenetic location: 8p23.3.
Variant type: single nucleotide variant.
Coding change: c.3620G>C on transcript NM_014629.4 (MANE Select); coding-DNA position 3620, G replaced by C.
Protein change: p.Ser1207Thr; replaces serine 1207 with threonine.
Molecular consequence: missense variant.
Genome position (GRCh38, 1-based): chr8:1,956,848, G>C. VCF-style: chr8-1956848-G-C. GRCh37 (hg19) VCF-style: chr8-1905014-G-C.
Other names: c.3506G>C, p.Ser1169Thr (NM_001308152.2); c.3620G>C, p.Ser1207Thr (NM_001308153.3); short protein forms S1169T, S1207T, S1231T.
Identifiers: ClinVar variation 1373742 (VCV001373742.6), dbSNP rs751373354, ClinGen allele CA4601441.